The following is an entry in ClinVar:

ClinVar aggregate classification (germline): Uncertain significance. Review status: criteria provided, multiple submitters, no conflicts (2 of 4 stars). 2 submissions from 2 submitters: Uncertain significance (2). Last evaluated 2025-02-22.

Conditions:
Inborn genetic diseases. Identifiers: MedGen C0950123, MeSH D030342.

Allele frequency attached by ClinVar (database versions not stated): 1000 Genomes Project 30x 0.00031; ExAC 0.00033.
gnomAD v4.1: 14 of 1,489,118 alleles (0.00094%); highest among the groups gnomAD compares: Admixed American, 0.028%; no homozygotes.

Submissions (2):

Ambry Genetics
Classification: Uncertain significance for Inborn genetic diseases. Last evaluated: 2025-02-22. Review status: criteria provided, single submitter. Criteria: Ambry Variant Classification Scheme 2023. Collection method: clinical testing. Allele origin: germline.

Labcorp Genetics (formerly Invitae), Labcorp
Classification: Uncertain significance. Last evaluated: 2023-02-08. Review status: criteria provided, single submitter. Criteria: Invitae Variant Classification Sherloc (09022015). Collection method: clinical testing. Allele origin: germline.
Comment: This sequence change replaces proline, which is neutral and non-polar, with serine, which is neutral and polar, at codon 6 of the PPCS protein (p.Pro6Ser). This variant is present in population databases (rs759381223, gnomAD 0.05%). This variant has not been reported in the literature in individuals affected with PPCS-related conditions. ClinVar contains an entry for this variant (Variation ID: 1496171). Advanced modeling of protein sequence and biophysical properties (such as structural, functional, and spatial information, amino acid conservation, physicochemical variation, residue mobility, and thermodynamic stability) performed at Invitae indicates that this missense variant is not expected to disrupt PPCS protein function. In summary, the available evidence is currently insufficient to determine the role of this variant in disease. Therefore, it has been classified as a Variant of Uncertain Significance.

NM_024664.4(PPCS):c.16C>T (p.Pro6Ser)

Genes: CCDC30 (coiled-coil domain containing 30; plus strand), PPCS (phosphopantothenoylcysteine synthetase; plus strand). Cytogenetic location: 1p34.2.
Variant type: single nucleotide variant.
Coding change: c.16C>T on transcript NM_024664.4 (MANE Select); coding-DNA position 16, C replaced by T.
Protein change: p.Pro6Ser; replaces proline 6 with serine.
Molecular consequence: missense variant. On other transcripts: intron variant (3), 5 prime UTR variant (4).
Genome position (GRCh38, 1-based): chr1:42,456,581, C>T. VCF-style: chr1-42456581-C-T. GRCh37 (hg19) VCF-style: chr1-42922252-C-T.
Other names: c.-12+82C>T (NM_001287506.1); c.-59C>T (NM_001077447.3); c.-155C>T (NM_001287508.2); c.-14C>T (NM_001287509.2); c.-677C>T (NM_001287510.2); c.16C>T, p.Pro6Ser (NM_001287511.2); c.-984+82C>T (NM_001355226.2); c.-328+82C>T (NM_001287507.1); short protein forms P6S.
Identifiers: ClinVar variation 1496171 (VCV001496171.6), dbSNP rs759381223, ClinGen allele CA799880.
Genomic context (GRCh38, chr1:42,456,581, plus strand): 5'-GCGGCGGCCGCGAAACGTGCGCAGGCGCCGGCCGCTGCGCTGCAGATGGCGGAAATGGAT[C>T]CGGTAGCCGAGTTCCCCCAGCCTCCCGGTGCTGCGCGCTGGGCTGAGGTTATGGCTCGCT-3'
Protein context (NP_078940.2, residues 1-16): MAEMD[Pro6Ser]VAEFPQPPGA